The following is an entry in ClinVar:

NM_033400.3(ZFHX2):c.4634T>C (p.Val1545Ala)

Genes: THTPA (thiamine triphosphatase; plus strand), ZFHX2 (zinc finger homeobox 2; minus strand). Cytogenetic location: 14q11.2.
Variant type: single nucleotide variant.
Coding change: c.4634T>C on transcript NM_033400.3 (MANE Select); coding-DNA position 4634, T replaced by C.
Protein change: p.Val1545Ala; replaces valine 1545 with alanine.
Molecular consequence: missense variant.
Genome position (GRCh38, 1-based): chr14:23,525,308, A>G on the plus strand (T>C on the coding strand, the complement: ZFHX2 is on the minus strand). VCF-style: chr14-23525308-A-G. GRCh37 (hg19) VCF-style: chr14-23994517-A-G.
Other names: c.4634T>C (NM_033400.2); short protein forms V1545A.
Identifiers: ClinVar variation 1684253 (VCV001684253.4), dbSNP rs4982766, ClinGen allele CA7116929.

ClinVar aggregate classification (germline): Benign. Review status: criteria provided, multiple submitters, no conflicts (2 of 4 stars). 3 submissions from 3 submitters: Benign (2). 1 of the submissions does not count toward it. Last evaluated 2021-12-05.

Conditions:
Indifference to pain, congenital, autosomal dominant. Also called: CONGENITAL ANALGESIA, AUTOSOMAL DOMINANT. Identifiers: MedGen C4538468, OMIM 147430, MONDO:0007828.
ZFHX2-related disorder. Also called: ZFHX2-related condition.

Allele frequency attached by ClinVar (database versions not stated): ExAC 0.18142; gnomAD 0.35727 and 0.36957; TOPMed 0.39302; gnomAD exomes 0.22722 and 0.25284; 1000 Genomes Project 0.38379; 1000 Genomes Project 30x 0.39663.
gnomAD v4.1: 369,865 of 1,535,792 alleles (24%); highest among the groups gnomAD compares: African/African-American, 71%; 55,032 homozygotes.

Submissions (3):

Genome-Nilou Lab
Classification: Benign for Indifference to pain, congenital, autosomal dominant. Last evaluated: 2021-12-05. Review status: criteria provided, single submitter. Criteria: ACMG Guidelines, 2015. Collection method: clinical testing. Allele origin: germline. Affected: no.

Breakthrough Genomics
Classification: Benign. Review status: criteria provided, single submitter. Criteria: ACMG Guidelines, 2015. Collection method: not provided. Allele origin: germline. Inheritance: Autosomal dominant inheritance. Affected: yes.

PreventionGenetics, part of Exact Sciences
Classification: Benign for ZFHX2-related condition. Last evaluated: 2019-10-17. Review status: no assertion criteria provided. Collection method: clinical testing. Allele origin: germline. Not counted in ClinVar's aggregate classification.
Comment: This variant is classified as benign based on ACMG/AMP sequence variant interpretation guidelines (Richards et al. 2015 PMID: 25741868, with internal and published modifications).